The following is an entry in ClinVar:

ClinVar aggregate classification (germline): Pathogenic (1 of 4 stars; one submission).

Submission:

Labcorp Genetics (formerly Invitae), Labcorp
Classification: Pathogenic. Last evaluated: 2021-05-07. Review status: criteria provided, single submitter. Criteria: Invitae Variant Classification Sherloc (09022015). Collection method: clinical testing. Allele origin: germline.
Comment: Algorithms developed to predict the effect of sequence changes on RNA splicing suggest that this variant may create or strengthen a splice site, but this prediction has not been confirmed by published transcriptional studies. For these reasons, this variant has been classified as Pathogenic. This variant has not been reported in the literature in individuals with VPS13A-related conditions. This variant is not present in population databases (ExAC no frequency). This sequence change creates a premature translational stop signal (p.Trp216*) in the VPS13A gene. It is expected to result in an absent or disrupted protein product. Loss-of-function variants in VPS13A are known to be pathogenic (PMID: 12404112, 21598378).

Literature cited by the submitters: PubMed 12404112; PubMed 21598378.

NM_033305.3(VPS13A):c.647G>A (p.Trp216Ter)

Gene: VPS13A (vacuolar protein sorting 13 homolog A; plus strand). Cytogenetic location: 9q21.2.
Variant type: single nucleotide variant.
Coding change: c.647G>A on transcript NM_033305.3 (MANE Select); coding-DNA position 647, G replaced by A.
Protein change: p.Trp216Ter; replaces tryptophan 216 with a stop codon.
Molecular consequence: nonsense.
Genome position (GRCh38, 1-based): chr9:77,213,265, G>A. VCF-style: chr9-77213265-G-A. GRCh37 (hg19) VCF-style: chr9-79828181-G-A.
Other names: c.647G>A, p.Trp216Ter (NM_001018037.2, NM_001018038.3, NM_015186.4); short protein forms W216*.
Identifiers: ClinVar variation 1453172 (VCV001453172.6), dbSNP rs2131153571, ClinGen allele CA373842734.
Genomic context (GRCh38, chr9:77,213,265, plus strand): 5'-ATGAGACATCTAATAAATTTTATTTTCAGTTAATCCGATTGGATAACCTGTTTGCCTATT[G>A]GAATGTGAAGTCTCAGATGTTTTATCTTAGTGATTATGATAACTCCTTGGTAAGTAAATT-3'